The following is an entry in ClinVar:

ClinVar aggregate classification (germline): Uncertain significance. Review status: criteria provided, multiple submitters, no conflicts (2 of 4 stars). 2 submissions from 2 submitters: Uncertain significance (2). Last evaluated 2023-11-27.

Conditions:
Congenital heart defects, multiple types. Identifiers: MedGen CN377732, MONDO:0000119.

Allele frequency attached by ClinVar (database versions not stated): gnomAD exomes 0.00001; ExAC 0.00002; TOPMed 0.00002; gnomAD 0.00003 and 0.00004.
gnomAD v4.1: 15 of 1,610,630 alleles (0.00093%); highest among the groups gnomAD compares: African/African-American, 0.0053%; no homozygotes.

Submissions (2):

Labcorp Genetics (formerly Invitae), Labcorp
Classification: Uncertain significance. Last evaluated: 2023-11-27. Review status: criteria provided, single submitter. Criteria: Invitae Variant Classification Sherloc (09022015). Collection method: clinical testing. Allele origin: germline.
Comment: This sequence change replaces valine, which is neutral and non-polar, with isoleucine, which is neutral and non-polar, at codon 222 of the GATA5 protein (p.Val222Ile). The frequency data for this variant in the population databases is considered unreliable, as metrics indicate poor data quality at this position in the gnomAD database. This variant has not been reported in the literature in individuals affected with GATA5-related conditions. ClinVar contains an entry for this variant (Variation ID: 1511689). Advanced modeling of protein sequence and biophysical properties (such as structural, functional, and spatial information, amino acid conservation, physicochemical variation, residue mobility, and thermodynamic stability) performed at Invitae indicates that this missense variant is not expected to disrupt GATA5 protein function with a negative predictive value of 80%. In summary, the available evidence is currently insufficient to determine the role of this variant in disease. Therefore, it has been classified as a Variant of Uncertain Significance.

Victorian Clinical Genetics Services, Murdoch Childrens Research Institute
Classification: Uncertain significance for Congenital heart defects, multiple types. Last evaluated: 2020-05-26. Review status: criteria provided, single submitter. Criteria: ACMG Guidelines, 2015. Collection method: clinical testing. Allele origin: germline. Affected: yes.
Comment: Based on the classification scheme VCGS_Germline_v1.1.1, this variant is classified as a 3C-VUS. Following criteria are met: 0102 - Loss-of-function is a known mechanism of disease for this gene (PMID: 28180938; 24638895). (N) 0104 - Dominant Negative is a mechanism of disease for this gene disease (PMID: 23175127). (N) 0108 - This gene is known to be associated with both recessive and dominant disease (OMIM). (N) 0200 - Variant is predicted to result in a missense amino acid change from a valine to an isoleucine (exon 3). (N) 0251 - Variant is heterozygous. (N) 0302 - Variant is present in gnomAD <0.001 for a dominant condition (4 heterozygotes, 0 homozygotes). (P) 0504 - Same amino acid change has been observed in mammals. (B) 0600 - Variant is located in an annotated domain or motif (Zinc finger GATA domain; PDB). (N) 0705 - No comparable variants have previous evidence for pathogenicity. (N) 0807 - Variant has not previously been reported in a clinical context. (N) 0905 - No segregation evidence has been identified for this variant. (N) 1007 - No published functional evidence has been identified for this variant. (N) 1208 - Inheritance information for this variant is not currently available. (N) Legend: (P) - Pathogenic, (N) - Neutral, (B) - Benign

Literature cited by the submitters: PubMed 23175127 (cited by Victorian Clinical Genetics Services, Murdoch Childrens Research Institute); PubMed 24638895 (cited by Victorian Clinical Genetics Services, Murdoch Childrens Research Institute); PubMed 28180938 (cited by Victorian Clinical Genetics Services, Murdoch Childrens Research Institute).

NM_080473.5(GATA5):c.664G>A (p.Val222Ile)

Gene: GATA5 (GATA binding protein 5; minus strand). Cytogenetic location: 20q13.33.
Variant type: single nucleotide variant.
Coding change: c.664G>A on transcript NM_080473.5 (MANE Select); coding-DNA position 664, G replaced by A.
Protein change: p.Val222Ile; replaces valine 222 with isoleucine.
Molecular consequence: missense variant.
Genome position (GRCh38, 1-based): chr20:62,473,438, C>T on the plus strand (G>A on the coding strand, the complement: GATA5 is on the minus strand). VCF-style: chr20-62473438-C-T. GRCh37 (hg19) VCF-style: chr20-61048494-C-T.
Other names: c.664G>A (NM_080473.4); short protein forms V222I.
Identifiers: ClinVar variation 1511689 (VCV001511689.7), dbSNP rs116503780, ClinGen allele CA9946256.